The following is an entry in ClinVar:

NM_000138.5(FBN1):c.5066-12C>G

Gene: FBN1 (fibrillin 1; minus strand). Cytogenetic location: 15q21.1.
Variant type: single nucleotide variant.
Coding change: c.5066-12C>G on transcript NM_000138.5 (MANE Select); 12 bases into the intron before coding-DNA position 5066, C replaced by G.
Molecular consequence: intron variant.
Genome position (GRCh38, 1-based): chr15:48,463,252, G>C on the plus strand (C>G on the coding strand, the complement: FBN1 is on the minus strand). VCF-style: chr15-48463252-G-C. GRCh37 (hg19) VCF-style: chr15-48755449-G-C.
Other names: c.5066-12C>G (NM_001406716.1).
Identifiers: ClinVar variation 4785460 (VCV004785460.1).
Genomic context (GRCh38, chr15:48,463,252, plus strand): 5'-GTCTGGTTGTCAGCATAGTAGTTTCTGTAGCACAAACTTCTTCTCATATCTAGAAGGGAG[G>C]TAAAAAAAAGGATTGGAGGGTTGGTGATGCCATGTGGGAAATCACAACAAATTTCTAAGT-3'

ClinVar aggregate classification (germline): Uncertain significance (1 of 4 stars; one submission).

Conditions:
Marfan syndrome (MFS). Also called: FBN1-Related Marfan Syndrome; MARFAN SYNDROME, TYPE I; Marfan syndrome type 1; Marfan's syndrome; Marfan syndrome, classic. Identifiers: Orphanet 284963, Orphanet 558, MedGen C0024796, MONDO:0007947, OMIM 154700.
Familial thoracic aortic aneurysm and aortic dissection (TAAD). Also called: Thoracic aortic aneurysms and dissections. Identifiers: Orphanet 91387, MedGen C4707243, MONDO:0019625.

Submission:

Labcorp Genetics (formerly Invitae), Labcorp
Classification: Uncertain significance for Marfan syndrome; Familial thoracic aortic aneurysm and aortic dissection. Last evaluated: 2025-07-02. Review status: criteria provided, single submitter. Criteria: Invitae Variant Classification Sherloc (09022015). Collection method: clinical testing. Allele origin: germline.
Comment: This sequence change falls in intron 41 of the FBN1 gene. It does not directly change the encoded amino acid sequence of the FBN1 protein. This variant is not present in population databases (gnomAD no frequency). This variant has been observed in individual(s) with Marfan syndrome (external communication). It has also been observed to segregate with disease in related individuals. Algorithms developed to predict the effect of sequence changes on RNA splicing suggest that this variant may disrupt the consensus splice site. In summary, the available evidence is currently insufficient to determine the role of this variant in disease. Therefore, it has been classified as a Variant of Uncertain Significance.